The following is an entry in ClinVar:

NM_014363.6(SACS):c.5505_5508del (p.Ser1835fs)

Gene: SACS (sacsin molecular chaperone; minus strand). Cytogenetic location: 13q12.12.
Variant type: Microsatellite.
Coding change: c.5505_5508del on transcript NM_014363.6 (MANE Select); coding-DNA positions 5505 to 5508, 4 bases deleted (TGAG; older notation c.5505_5508delTGAG).
Protein change: p.Ser1835fs; shifts the reading frame from serine 1835.
Molecular consequence: frameshift variant.
Genome position (GRCh38, 1-based): chr13:23,338,368-23,338,371, CTCA deleted on the plus strand (TGAG on the coding strand, the reverse complement: SACS is on the minus strand); deleting any 4 consecutive bases within chr13:23,338,368-23,338,375 gives the same sequence; the c. name uses the placement nearest the transcript's 3' end. VCF-style (leftmost placement, unchanged base first): chr13-23338367-TCTCA-T. GRCh37 (hg19) VCF-style: chr13-23912506-TCTCA-T.
Other names: c.5064_5067del, p.Ser1688fs (NM_001278055.2); c.5532_5535del, p.Ser1844fs (NM_001437336.1); short protein forms S1688fs, S1835fs, S1844fs.
Identifiers: ClinVar variation 4815702 (VCV004815702.1).

ClinVar aggregate classification (germline): Likely pathogenic (1 of 4 stars; one submission).

Conditions:
Charlevoix-Saguenay spastic ataxia (SACS). Also called: AUTOSOMAL RECESSIVE SPASTIC ATAXIA OF CHARLEVOIX-SAGUENAY; Spastic ataxia of Charlevoix-Saguenay; SPASTIC ATAXIA 6, AUTOSOMAL RECESSIVE. Identifiers: Orphanet 98, MedGen C1849140, MONDO:0010041, OMIM 270550.

Submission:

Natera, Inc.
Classification: Likely pathogenic for Charlevoix-Saguenay type spastic ataxia. Last evaluated: 2026-01-04. Review status: criteria provided, single submitter. Criteria: Natera Variant Classification Schema (03/2026). Collection method: clinical testing. Allele origin: germline.
Comment: The c.5505_5508del variant in SACS is a frameshift variant predicted to shift the reading frame beginning at codon 1835 and leads to a stop codon 6 codons downstream. This variant is expected to result in nonsense mediated decay, truncation, or a dysfunctional protein product. This variant is rare in the general population with a frequency below the threshold expected for the associated phenotype(s). Given the available evidence, this variant is classified as Likely Pathogenic.